The following is an entry in ClinVar:

NM_001042492.3(NF1):c.4734A>G (p.Val1578=)

Gene: NF1 (neurofibromin 1; plus strand). Cytogenetic location: 17q11.2.
Variant type: single nucleotide variant.
Coding change: c.4734A>G on transcript NM_001042492.3 (MANE Select); coding-DNA position 4734, A replaced by G.
Protein change: p.Val1578=; no amino-acid change (valine 1578 retained).
Molecular consequence: synonymous variant.
Genome position (GRCh38, 1-based): chr17:31,265,238, A>G. VCF-style: chr17-31265238-A-G. GRCh37 (hg19) VCF-style: chr17-29592256-A-G.
Other names: c.4671A>G, p.Val1557= (NM_000267.4).
Identifiers: ClinVar variation 4875893 (VCV004875893.1).

ClinVar aggregate classification (germline): Benign (1 of 4 stars; one submission).

Conditions:
Neurofibromatosis, type 1 (NF1). Also called: VON RECKLINGHAUSEN DISEASE; NEUROFIBROMATOSIS, TYPE I, SOMATIC; Peripheral type neurofibromatosis; Neurofibromatosis, type I. Identifiers: Orphanet 636, MedGen C0027831, MONDO:0018975, OMIM 162200. Disease mechanism: loss of function.

gnomAD v4.1: 1 of 1,611,422 alleles (0.000062%); highest among the groups gnomAD compares: Non-Finnish European, 0.000085%; no homozygotes.

Submission:

Myriad Genetics, Inc.
Classification: Benign for Neurofibromatosis, type 1. Last evaluated: 2026-05-19. Review status: criteria provided, single submitter. Criteria: Myriad Autosomal Dominant, Autosomal Recessive and X-Linked Classification Criteria (2023). Collection method: clinical testing. Allele origin: unknown.
Comment: This variant is considered benign. This variant is a silent/synonymous amino acid change and it is not expected to impact splicing.